The following is an entry in ClinVar:

ClinVar aggregate classification (germline): Uncertain significance (1 of 4 stars; one submission).

Conditions:
Deficiency of malonyl-CoA decarboxylase. Also called: Malonic aciduria; MCD deficiency. Identifiers: Orphanet 943, MedGen C0342793, MONDO:0009556, OMIM 248360.

Submission:

Labcorp Genetics (formerly Invitae), Labcorp
Classification: Uncertain significance for Deficiency of malonyl-CoA decarboxylase. Last evaluated: 2024-10-24. Review status: criteria provided, single submitter. Criteria: Invitae Variant Classification Sherloc (09022015). Collection method: clinical testing. Allele origin: germline.
Comment: This sequence change replaces isoleucine, which is neutral and non-polar, with phenylalanine, which is neutral and non-polar, at codon 268 of the MLYCD protein (p.Ile268Phe). This variant is not present in population databases (gnomAD no frequency). This variant has not been reported in the literature in individuals affected with MLYCD-related conditions. ClinVar contains an entry for this variant (Variation ID: 1716359). An algorithm developed to predict the effect of missense changes on protein structure and function (PolyPhen-2) suggests that this variant is likely to be disruptive. In summary, the available evidence is currently insufficient to determine the role of this variant in disease. Therefore, it has been classified as a Variant of Uncertain Significance.

NM_012213.3(MLYCD):c.802A>T (p.Ile268Phe)

Genes: MLYCD (malonyl-CoA decarboxylase; plus strand), LOC126862422 (CDK7 strongly-dependent group 2 enhancer GRCh37_chr16:83945234-83946433; plus strand). Cytogenetic location: 16q23.3.
Variant type: single nucleotide variant.
Coding change: c.802A>T on transcript NM_012213.3 (MANE Select); coding-DNA position 802, A replaced by T.
Protein change: p.Ile268Phe; replaces isoleucine 268 with phenylalanine.
Molecular consequence: missense variant.
Genome position (GRCh38, 1-based): chr16:83,912,221, A>T. VCF-style: chr16-83912221-A-T. GRCh37 (hg19) VCF-style: chr16-83945826-A-T.
Other names: short protein forms I268F.
Identifiers: ClinVar variation 1716359 (VCV001716359.6), dbSNP rs745977401, ClinGen allele CA396919121.